The following is an entry in ClinVar:

NM_001288705.3(CSF1R):c.310C>T (p.Pro104Ser)

Gene: CSF1R (colony stimulating factor 1 receptor; minus strand). Cytogenetic location: 5q32.
Variant type: single nucleotide variant.
Coding change: c.310C>T on transcript NM_001288705.3 (MANE Select); coding-DNA position 310, C replaced by T.
Protein change: p.Pro104Ser; replaces proline 104 with serine.
Molecular consequence: missense variant. On other transcripts: 5 prime UTR variant (1), non-coding transcript variant (2).
Genome position (GRCh38, 1-based): chr5:150,080,334, G>A on the plus strand (C>T on the coding strand, the complement: CSF1R is on the minus strand). VCF-style: chr5-150080334-G-A. GRCh37 (hg19) VCF-style: chr5-149459897-G-A.
Other names: c.310C>T, p.Pro104Ser (NM_001349736.2, NM_001375320.1, NM_005211.4); c.-135C>T (NM_001375321.1); short protein forms P104S.
Identifiers: ClinVar variation 2964667 (VCV002964667.3), dbSNP rs2481046776, ClinGen allele CA361735178.
Genomic context (GRCh38, chr5:150,080,334, plus strand): 5'-GTGCGTCCTGGTCCTCGAACACGACCACCTCCTGTGCTAGCACGTTCCAGGGCCGGGCAG[G>A]GTCTAGAGTAGAGGAGGGCACAGGGTTACAACTGCCCTCCCTCCACTGGGCCAAGGAGTA-3'
Protein context (NP_001275634.1, residues 94-114): SAAIHLYVKD[Pro104Ser]ARPWNVLAQE

ClinVar aggregate classification (germline): Uncertain significance (1 of 4 stars; one submission).

gnomAD v4.1: 1 of 1,612,388 alleles (0.000062%); highest among the groups gnomAD compares: South Asian, 0.0011%; no homozygotes.

Submission:

Labcorp Genetics (formerly Invitae), Labcorp
Classification: Uncertain significance. Last evaluated: 2023-02-19. Review status: criteria provided, single submitter. Criteria: Invitae Variant Classification Sherloc (09022015). Collection method: clinical testing. Allele origin: germline.
Comment: In summary, the available evidence is currently insufficient to determine the role of this variant in disease. Therefore, it has been classified as a Variant of Uncertain Significance. An algorithm developed to predict the effect of missense changes on protein structure and function (PolyPhen-2) suggests that this variant is likely to be tolerated. This variant has not been reported in the literature in individuals affected with CSF1R-related conditions. This variant is not present in population databases (gnomAD no frequency). This sequence change replaces proline, which is neutral and non-polar, with serine, which is neutral and polar, at codon 104 of the CSF1R protein (p.Pro104Ser).